The following is an entry in ClinVar:

NM_001122752.2(SERPINI1):c.449A>T (p.Tyr150Phe)

Gene: SERPINI1 (serpin family I member 1; plus strand). Cytogenetic location: 3q26.1.
Variant type: single nucleotide variant.
Coding change: c.449A>T on transcript NM_001122752.2 (MANE Select); coding-DNA position 449, A replaced by T.
Protein change: p.Tyr150Phe; replaces tyrosine 150 with phenylalanine.
Molecular consequence: missense variant.
Genome position (GRCh38, 1-based): chr3:167,790,570, A>T. VCF-style: chr3-167790570-A-T. GRCh37 (hg19) VCF-style: chr3-167508358-A-T.
Other names: c.449A>T, p.Tyr150Phe (NM_005025.5); short protein forms Y150F.
Identifiers: ClinVar variation 1407072 (VCV001407072.8), dbSNP rs567043099, ClinGen allele CA2694803.

ClinVar aggregate classification (germline): Uncertain significance (1 of 4 stars; one submission).

Conditions:
Familial encephalopathy with neuroserpin inclusion bodies. Also called: ENCEPHALOPATHY, FAMILIAL, WITH COLLINS BODIES. Identifiers: Orphanet 85110, MedGen C1858680, MONDO:0011412, OMIM 604218.

gnomAD v4.1: 8 of 1,613,734 alleles (0.0005%); highest among the groups gnomAD compares: Non-Finnish European, 0.00051%; no homozygotes.

Submission:

Labcorp Genetics (formerly Invitae), Labcorp
Classification: Uncertain significance for Familial encephalopathy with neuroserpin inclusion bodies. Last evaluated: 2023-09-19. Review status: criteria provided, single submitter. Criteria: Invitae Variant Classification Sherloc (09022015). Collection method: clinical testing. Allele origin: germline.
Comment: In summary, the available evidence is currently insufficient to determine the role of this variant in disease. Therefore, it has been classified as a Variant of Uncertain Significance. Advanced modeling of protein sequence and biophysical properties (such as structural, functional, and spatial information, amino acid conservation, physicochemical variation, residue mobility, and thermodynamic stability) performed at Invitae indicates that this missense variant is not expected to disrupt SERPINI1 protein function. ClinVar contains an entry for this variant (Variation ID: 1407072). This variant has not been reported in the literature in individuals affected with SERPINI1-related conditions. This variant is present in population databases (rs567043099, gnomAD 0.0009%). This sequence change replaces tyrosine, which is neutral and polar, with phenylalanine, which is neutral and non-polar, at codon 150 of the SERPINI1 protein (p.Tyr150Phe).